The following is an entry in ClinVar:

NM_000264.5(PTCH1):c.4021C>A (p.Pro1341Thr)

Gene: PTCH1 (patched 1; minus strand). Cytogenetic location: 9q22.32.
Variant type: single nucleotide variant.
Coding change: c.4021C>A on transcript NM_000264.5 (MANE Select); coding-DNA position 4021, C replaced by A.
Protein change: p.Pro1341Thr; replaces proline 1341 with threonine.
Molecular consequence: missense variant. On other transcripts: non-coding transcript variant (1).
Genome position (GRCh38, 1-based): chr9:95,447,235, G>T on the plus strand (C>A on the coding strand, the complement: PTCH1 is on the minus strand). VCF-style: chr9-95447235-G-T. GRCh37 (hg19) VCF-style: chr9-98209517-G-T.
Other names: c.3823C>A, p.Pro1275Thr (NM_001083602.3); c.4018C>A, p.Pro1340Thr (NM_001083603.3); c.3568C>A, p.Pro1190Thr (NM_001083604.3, NM_001083605.3, NM_001083606.3 and 1 more transcripts); c.3865C>A, p.Pro1289Thr (NM_001354918.2); short protein forms P1190T, P1340T, P1289T, P1341T, P1275T.
Identifiers: ClinVar variation 3427307 (VCV003427307.1).

ClinVar aggregate classification (germline): Uncertain significance (1 of 4 stars; one submission).

Conditions:
Hereditary cancer-predisposing syndrome. Also called: Neoplastic Syndromes, Hereditary; Tumor predisposition; Hereditary Cancer Syndrome; Hereditary neoplastic syndrome. Identifiers: Orphanet 140162, MedGen C0027672, MeSH D009386, MONDO:0015356.

Submission:

Ambry Genetics
Classification: Uncertain significance for Hereditary cancer-predisposing syndrome. Last evaluated: 2024-10-21. Review status: criteria provided, single submitter. Criteria: Ambry Variant Classification Scheme 2023. Collection method: clinical testing. Allele origin: germline.
Comment: The p.P1341T variant (also known as c.4021C>A), located in coding exon 23 of the PTCH1 gene, results from a C to A substitution at nucleotide position 4021. The proline at codon 1341 is replaced by threonine, an amino acid with highly similar properties. This amino acid position is conserved. In addition, this alteration is predicted to be tolerated by in silico analysis. Based on the available evidence, the clinical significance of this variant remains unclear.